The following is an entry in ClinVar:

ClinVar aggregate classification (germline): Uncertain significance (1 of 4 stars; one submission).

Conditions:
Granulomatous disease, chronic, autosomal recessive, cytochrome b-positive, type 3. Also called: GRANULOMATOUS DISEASE, CHRONIC, AUTOSOMAL RECESSIVE, 3; CGD, AUTOSOMAL RECESSIVE CYTOCHROME b-POSITIVE, TYPE III; GRANULOMATOUS DISEASE, CHRONIC, DUE TO NCF4 DEFICIENCY; Granulomatous disease, chronic, autosomal recessive, cytochrome b-positive, type III. Identifiers: Orphanet 379, MedGen C3151409, MONDO:0013507, OMIM 613960.

Submission:

Labcorp Genetics (formerly Invitae), Labcorp
Classification: Uncertain significance for Granulomatous disease, chronic, autosomal recessive, cytochrome b-positive, type 3. Last evaluated: 2022-07-19. Review status: criteria provided, single submitter. Criteria: Invitae Variant Classification Sherloc (09022015). Collection method: clinical testing. Allele origin: germline.
Comment: This sequence change replaces alanine, which is neutral and non-polar, with threonine, which is neutral and polar, at codon 83 of the NCF4 protein (p.Ala83Thr). This variant is not present in population databases (gnomAD no frequency). This variant has not been reported in the literature in individuals affected with NCF4-related conditions. ClinVar contains an entry for this variant (Variation ID: 1387901). Algorithms developed to predict the effect of missense changes on protein structure and function output the following: SIFT: "Tolerated"; PolyPhen-2: "Benign"; Align-GVGD: "Class C0". The threonine amino acid residue is found in multiple mammalian species, which suggests that this missense change does not adversely affect protein function. In summary, the available evidence is currently insufficient to determine the role of this variant in disease. Therefore, it has been classified as a Variant of Uncertain Significance.

NM_000631.5(NCF4):c.247G>A (p.Ala83Thr)

Genes: NCF4 (neutrophil cytosolic factor 4; plus strand), NCF4-AS1 (NCF4 antisense RNA 1; minus strand). Cytogenetic location: 22q12.3.
Variant type: single nucleotide variant.
Coding change: c.247G>A on transcript NM_000631.5 (MANE Select); coding-DNA position 247, G replaced by A.
Protein change: p.Ala83Thr; replaces alanine 83 with threonine.
Molecular consequence: missense variant.
Genome position (GRCh38, 1-based): chr22:36,865,048, G>A. VCF-style: chr22-36865048-G-A. GRCh37 (hg19) VCF-style: chr22-37261090-G-A.
Other names: c.247G>A, p.Ala83Thr (NM_013416.4); short protein forms A83T.
Identifiers: ClinVar variation 1387901 (VCV001387901.3), dbSNP rs2145705264, ClinGen allele CA411379399.